The following is an entry in ClinVar:

ClinVar aggregate classification (germline): Uncertain significance (1 of 4 stars; one submission).

Conditions:
Long QT syndrome (LQTS). Identifiers: MedGen C0023976, MeSH D008133, MONDO:0002442. Disease mechanism: loss of function. Inheritance: Various modes of inheritance.

Submission:

Labcorp Genetics (formerly Invitae), Labcorp
Classification: Uncertain significance for Long QT syndrome. Last evaluated: 2025-11-05. Review status: criteria provided, single submitter. Criteria: Invitae Variant Classification Sherloc (09022015). Collection method: clinical testing. Allele origin: germline.
Comment: This sequence change replaces lysine, which is basic and polar, with threonine, which is neutral and polar, at codon 161 of the KCNH2 protein (p.Lys161Thr). This variant is not present in population databases (gnomAD no frequency). This variant has not been reported in the literature in individuals affected with KCNH2-related conditions. An algorithm developed to predict the effect of missense changes on protein structure and function (PolyPhen-2) suggests that this variant is likely to be tolerated. In summary, the available evidence is currently insufficient to determine the role of this variant in disease. Therefore, it has been classified as a Variant of Uncertain Significance.

NM_000238.4(KCNH2):c.482A>C (p.Lys161Thr)

Gene: KCNH2 (potassium voltage-gated channel subfamily H member 2; minus strand). Cytogenetic location: 7q36.1.
Variant type: single nucleotide variant.
Coding change: c.482A>C on transcript NM_000238.4 (MANE Select); coding-DNA position 482, A replaced by C.
Protein change: p.Lys161Thr; replaces lysine 161 with threonine.
Molecular consequence: missense variant. On other transcripts: non-coding transcript variant (1).
Genome position (GRCh38, 1-based): chr7:150,958,493, T>G on the plus strand (A>C on the coding strand, the complement: KCNH2 is on the minus strand). VCF-style: chr7-150958493-T-G. GRCh37 (hg19) VCF-style: chr7-150655581-T-G.
Other names: c.194A>C, p.Lys65Thr (NM_001406753.1, NM_001406756.1); c.305A>C, p.Lys102Thr (NM_001406755.1); c.182A>C, p.Lys61Thr (NM_001406757.1); c.482A>C, p.Lys161Thr (NM_172056.3); short protein forms K102T, K61T, K161T, K65T.
Identifiers: ClinVar variation 4775368 (VCV004775368.1).